The following is an entry in ClinVar:

ClinVar aggregate classification (germline): Uncertain significance (1 of 4 stars; one submission).

Conditions:
Cystic fibrosis (CF). Also called: MUCOVISCIDOSIS. Identifiers: Orphanet 586, MedGen C0010674, MONDO:0009061, OMIM 219700. Disease mechanism: loss of function.

Submission:

Labcorp Genetics (formerly Invitae), Labcorp
Classification: Uncertain significance for Cystic fibrosis. Last evaluated: 2026-01-21. Review status: criteria provided, single submitter. Criteria: Invitae Variant Classification Sherloc (09022015). Collection method: clinical testing. Allele origin: germline.
Comment: This sequence change replaces glycine, which is neutral and non-polar, with cysteine, which is neutral and slightly polar, at codon 1208 of the CFTR protein (p.Gly1208Cys). This variant is not present in population databases (gnomAD no frequency). This variant has not been reported in the literature in individuals affected with CFTR-related conditions. Invitae Evidence Modeling of protein sequence and biophysical properties (such as structural, functional, and spatial information, amino acid conservation, physicochemical variation, residue mobility, and thermodynamic stability) indicates that this missense variant is expected to disrupt CFTR protein function with a positive predictive value of 80%. In summary, the available evidence is currently insufficient to determine the role of this variant in disease. Therefore, it has been classified as a Variant of Uncertain Significance.

NM_000492.4(CFTR):c.3622G>T (p.Gly1208Cys)

Genes: CFTR (CF transmembrane conductance regulator; plus strand), CFTR-AS2 (CFTR antisense RNA 2; minus strand). Cytogenetic location: 7q31.2.
Variant type: single nucleotide variant.
Coding change: c.3622G>T on transcript NM_000492.4 (MANE Select); coding-DNA position 3622, G replaced by T.
Protein change: p.Gly1208Cys; replaces glycine 1208 with cysteine.
Molecular consequence: missense variant.
Genome position (GRCh38, 1-based): chr7:117,627,675, G>T. VCF-style: chr7-117627675-G-T. GRCh37 (hg19) VCF-style: chr7-117267729-G-T.
Other names: short protein forms G1208C.
Identifiers: ClinVar variation 4749953 (VCV004749953.1).